The following is an entry in ClinVar:

NM_005959.5(MTNR1B):c.284C>T (p.Pro95Leu)

Gene: MTNR1B (melatonin receptor 1B; plus strand). Cytogenetic location: 11q14.3.
Variant type: single nucleotide variant.
Coding change: c.284C>T on transcript NM_005959.5 (MANE Select); coding-DNA position 284, C replaced by T.
Protein change: p.Pro95Leu; replaces proline 95 with leucine.
Molecular consequence: missense variant.
Genome position (GRCh38, 1-based): chr11:92,981,507, C>T. VCF-style: chr11-92981507-C-T. GRCh37 (hg19) VCF-style: chr11-92714673-C-T.
Other names: short protein forms P95L.
Identifiers: ClinVar variation 30129 (VCV000030129.4), dbSNP rs182349376, ClinGen allele CA128961.

ClinVar aggregate classification (germline): Uncertain significance. Review status: criteria provided, single submitter (1 of 4 stars). 2 submissions from 2 submitters: Uncertain significance (1). 1 of the submissions does not count toward it.

Conditions:
Diabetes mellitus type 2, susceptibility to. Identifiers: MedGen C3837967.
Type 2 diabetes mellitus. Also called: Type II diabetes mellitus. Identifiers: MedGen C0011860, MeSH D003924, MONDO:0005148, OMIM 125853, HP:0005978.

Allele frequency attached by ClinVar (database versions not stated): gnomAD exomes 0.00004 and 0.00001; gnomAD 0.00001; TOPMed 0.00001; ExAC 0.00004.

Submissions (2):

Juno Genomics, Hangzhou Juno Genomics, Inc
Classification: Uncertain significance for Type 2 diabetes mellitus. Review status: criteria provided, single submitter. Criteria: ACMG Guidelines, 2015. Collection method: clinical testing. Allele origin: germline.
Comment: Absent from controls (or at extremely low frequency if recessive) in Genome Aggregation Database.;Well-established in vitro or in vivo functional studies supportive of a damaging effect on the gene or gene product.

OMIM
Classification: risk factor for TYPE 2 DIABETES MELLITUS, SUSCEPTIBILITY TO. Last evaluated: 2012-01-29. Review status: no assertion criteria provided. Collection method: literature only. Allele origin: germline. Not counted in ClinVar's aggregate classification.

Literature cited by the submitters: PubMed 22286214 (cited by OMIM).